The following is an entry in ClinVar:

ClinVar aggregate classification (germline): Uncertain significance (1 of 4 stars; one submission).

Allele frequency attached by ClinVar (database versions not stated): gnomAD exomes below 0.00001.
gnomAD v4.1: 2 of 1,613,146 alleles (0.00012%); highest among the groups gnomAD compares: Admixed American, 0.0033%; no homozygotes.

Submission:

Labcorp Genetics (formerly Invitae), Labcorp
Classification: Uncertain significance. Last evaluated: 2022-11-08. Review status: criteria provided, single submitter. Criteria: Invitae Variant Classification Sherloc (09022015). Collection method: clinical testing. Allele origin: germline.
Comment: In summary, the available evidence is currently insufficient to determine the role of this variant in disease. Therefore, it has been classified as a Variant of Uncertain Significance. Algorithms developed to predict the effect of missense changes on protein structure and function are either unavailable or do not agree on the potential impact of this missense change (SIFT: "Tolerated"; PolyPhen-2: "Probably Damaging"; Align-GVGD: "Class C0"). This variant has not been reported in the literature in individuals affected with IARS2-related conditions. This variant is present in population databases (no rsID available, gnomAD 0.006%). This sequence change replaces serine, which is neutral and polar, with phenylalanine, which is neutral and non-polar, at codon 635 of the IARS2 protein (p.Ser635Phe).

NM_018060.4(IARS2):c.1904C>T (p.Ser635Phe)

Gene: IARS2 (isoleucyl-tRNA synthetase 2, mitochondrial; plus strand). Cytogenetic location: 1q41.
Variant type: single nucleotide variant.
Coding change: c.1904C>T on transcript NM_018060.4 (MANE Select); coding-DNA position 1904, C replaced by T.
Protein change: p.Ser635Phe; replaces serine 635 with phenylalanine.
Molecular consequence: missense variant.
Genome position (GRCh38, 1-based): chr1:220,134,468, C>T. VCF-style: chr1-220134468-C-T. GRCh37 (hg19) VCF-style: chr1-220307810-C-T.
Other names: short protein forms S635F.
Identifiers: ClinVar variation 1941738 (VCV001941738.5), dbSNP rs1401440938, ClinGen allele CA344640890.